The following is an entry in ClinVar:

NM_002858.4(ABCD3):c.1065+12A>G

Gene: ABCD3 (ATP binding cassette subfamily D member 3; plus strand). Cytogenetic location: 1p21.3.
Variant type: single nucleotide variant.
Coding change: c.1065+12A>G on transcript NM_002858.4 (MANE Select); 12 bases into the intron after coding-DNA position 1065, A replaced by G.
Molecular consequence: intron variant.
Genome position (GRCh38, 1-based): chr1:94,487,803, A>G. VCF-style: chr1-94487803-A-G. GRCh37 (hg19) VCF-style: chr1-94953359-A-G.
Identifiers: ClinVar variation 1902280 (VCV001902280.5), dbSNP rs370125125, ClinGen allele CA960318.
Genomic context (GRCh38, chr1:94,487,803, plus strand): 5'-TTTGTCTCATCCTCGACATCTCAAGAGTACACATTCGGAACTTCTAGAGGTAAACTGATG[A>G]TAATACAATGAAAATGTAACAGTAAAAATAAAGCCAAATTTTTAGTCATAGAACTATAAG-3'

ClinVar aggregate classification (germline): Uncertain significance (1 of 4 stars; one submission).

Allele frequency attached by ClinVar (database versions not stated): gnomAD exomes 0.00001; ExAC 0.00004; gnomAD 0.00013; TOPMed 0.00014; ESP Exome Variant Server 0.00031.
gnomAD v4.1: 39 of 1,612,884 alleles (0.0024%); highest among the groups gnomAD compares: African/African-American, 0.045%; no homozygotes.

Submission:

Labcorp Genetics (formerly Invitae), Labcorp
Classification: Uncertain significance. Last evaluated: 2022-09-21. Review status: criteria provided, single submitter. Criteria: Invitae Variant Classification Sherloc (09022015). Collection method: clinical testing. Allele origin: germline.
Comment: This variant has not been reported in the literature in individuals affected with ABCD3-related conditions. Algorithms developed to predict the effect of sequence changes on RNA splicing suggest that this variant may create or strengthen a splice site. This variant is present in population databases (rs370125125, gnomAD 0.05%). This sequence change falls in intron 12 of the ABCD3 gene. It does not directly change the encoded amino acid sequence of the ABCD3 protein. In summary, the available evidence is currently insufficient to determine the role of this variant in disease. Therefore, it has been classified as a Variant of Uncertain Significance.